The following is an entry in ClinVar:

NM_199355.4(ADAMTS18):c.2412G>C (p.Trp804Cys)

Gene: ADAMTS18 (ADAM metallopeptidase with thrombospondin type 1 motif 18; minus strand). Cytogenetic location: 16q23.1.
Variant type: single nucleotide variant.
Coding change: c.2412G>C on transcript NM_199355.4 (MANE Select); coding-DNA position 2412, G replaced by C.
Protein change: p.Trp804Cys; replaces tryptophan 804 with cysteine.
Molecular consequence: missense variant.
Genome position (GRCh38, 1-based): chr16:77,319,969, C>G on the plus strand (G>C on the coding strand, the complement: ADAMTS18 is on the minus strand). VCF-style: chr16-77319969-C-G. GRCh37 (hg19) VCF-style: chr16-77353866-C-G.
Other names: c.1896G>C, p.Trp632Cys (NM_001326358.2); short protein forms W804C, W632C.
Identifiers: ClinVar variation 957726 (VCV000957726.7), dbSNP rs766944205, ClinGen allele CA8180915.

ClinVar aggregate classification (germline): Uncertain significance (1 of 4 stars; one submission).

Allele frequency attached by ClinVar (database versions not stated): gnomAD 0.00001; TOPMed 0.00001; ExAC 0.00002; gnomAD exomes 0.00002 and 0.00005.
gnomAD v4.1: 68 of 1,614,078 alleles (0.0042%); highest among the groups gnomAD compares: Non-Finnish European, 0.0058%; no homozygotes.

Submission:

Labcorp Genetics (formerly Invitae), Labcorp
Classification: Uncertain significance. Last evaluated: 2021-02-08. Review status: criteria provided, single submitter. Criteria: Invitae Variant Classification Sherloc (09022015). Collection method: clinical testing. Allele origin: germline.
Comment: In summary, the available evidence is currently insufficient to determine the role of this variant in disease. Therefore, it has been classified as a Variant of Uncertain Significance. Algorithms developed to predict the effect of missense changes on protein structure and function (SIFT, PolyPhen-2, Align-GVGD) all suggest that this variant is likely to be disruptive, but these predictions have not been confirmed by published functional studies and their clinical significance is uncertain. This variant has not been reported in the literature in individuals with ADAMTS18-related conditions. This variant is present in population databases (rs766944205, ExAC 0.004%). This sequence change replaces tryptophan with cysteine at codon 804 of the ADAMTS18 protein (p.Trp804Cys). The tryptophan residue is highly conserved and there is a large physicochemical difference between tryptophan and cysteine.